The following is an entry in ClinVar:

ClinVar aggregate classification (germline): Uncertain significance (1 of 4 stars; one submission).

Allele frequency attached by ClinVar (database versions not stated): gnomAD exomes below 0.00001; ExAC 0.00002; gnomAD 0.00005 and 0.00006; TOPMed 0.00005; ESP Exome Variant Server 0.00008.
gnomAD v4.1: 9 of 1,614,024 alleles (0.00056%); highest among the groups gnomAD compares: African/African-American, 0.011%; no homozygotes.

Submission:

Labcorp Genetics (formerly Invitae), Labcorp
Classification: Uncertain significance. Last evaluated: 2022-10-13. Review status: criteria provided, single submitter. Criteria: Invitae Variant Classification Sherloc (09022015). Collection method: clinical testing. Allele origin: germline.
Comment: This sequence change replaces glutamic acid, which is acidic and polar, with aspartic acid, which is acidic and polar, at codon 171 of the ADAM9 protein (p.Glu171Asp). This variant is present in population databases (rs367887367, gnomAD 0.008%). This variant has not been reported in the literature in individuals affected with ADAM9-related conditions. ClinVar contains an entry for this variant (Variation ID: 1393100). Advanced modeling of protein sequence and biophysical properties (such as structural, functional, and spatial information, amino acid conservation, physicochemical variation, residue mobility, and thermodynamic stability) performed at Invitae indicates that this missense variant is not expected to disrupt ADAM9 protein function. In summary, the available evidence is currently insufficient to determine the role of this variant in disease. Therefore, it has been classified as a Variant of Uncertain Significance.

NM_003816.3(ADAM9):c.513G>C (p.Glu171Asp)

Gene: ADAM9 (ADAM metallopeptidase domain 9; plus strand). Cytogenetic location: 8p11.22.
Variant type: single nucleotide variant.
Coding change: c.513G>C on transcript NM_003816.3 (MANE Select); coding-DNA position 513, G replaced by C.
Protein change: p.Glu171Asp; replaces glutamic acid 171 with aspartic acid.
Molecular consequence: missense variant. On other transcripts: non-coding transcript variant (3).
Genome position (GRCh38, 1-based): chr8:39,017,321, G>C. VCF-style: chr8-39017321-G-C. GRCh37 (hg19) VCF-style: chr8-38874840-G-C.
Other names: short protein forms E171D.
Identifiers: ClinVar variation 1393100 (VCV001393100.5), dbSNP rs367887367, ClinGen allele CA4721361.